The following is an entry in ClinVar:

NM_000700.3(ANXA1):c.823C>T (p.Pro275Ser)

Gene: ANXA1 (annexin A1; plus strand). Cytogenetic location: 9q21.13.
Variant type: single nucleotide variant.
Coding change: c.823C>T on transcript NM_000700.3 (MANE Select); coding-DNA position 823, C replaced by T.
Protein change: p.Pro275Ser; replaces proline 275 with serine.
Molecular consequence: missense variant.
Genome position (GRCh38, 1-based): chr9:73,167,517, C>T. VCF-style: chr9-73167517-C-T. GRCh37 (hg19) VCF-style: chr9-75782433-C-T.
Other names: short protein forms P275S.
Identifiers: ClinVar variation 3354223 (VCV003354223.1).
Genomic context (GRCh38, chr9:73,167,517, plus strand): 5'-TCATGGTAAATACATCAACTAAAATTTTCTTCTCTAACAGTGAAGTGCGCCACAAGCAAA[C>T]CAGCTTTCTTTGCAGAGAAGCTTCATCAAGCCATGAAAGTATGTACCATTCTACTTATAT-3'
Protein context (NP_000691.1, residues 265-285): TAIVKCATSK[Pro275Ser]AFFAEKLHQA

ClinVar aggregate classification (germline): Uncertain significance (0 of 4 stars; one submission).

Conditions:
ANXA1-related disorder. Also called: ANXA1-related condition.

gnomAD v4.1: 1 of 1,613,442 alleles (0.000062%); highest among the groups gnomAD compares: Middle Eastern, 0.017%; no homozygotes.

Submission:

PreventionGenetics, part of Exact Sciences
Classification: Uncertain significance for ANXA1-related condition. Last evaluated: 2024-09-25. Review status: no assertion criteria provided. Collection method: clinical testing. Allele origin: germline.
Comment: The ANXA1 c.823C>T variant is predicted to result in the amino acid substitution p.Pro275Ser. To our knowledge, this variant has not been reported in the literature or in a large population database, indicating this variant is rare. At this time, the clinical significance of this variant is uncertain due to the absence of conclusive functional and genetic evidence.